The following is an entry in ClinVar:

NM_153209.4(KIF19):c.1698G>C (p.Leu566=)

Gene: KIF19 (kinesin family member 19; plus strand). Cytogenetic location: 17q25.1.
Variant type: single nucleotide variant.
Coding change: c.1698G>C on transcript NM_153209.4 (MANE Select); coding-DNA position 1698, G replaced by C.
Protein change: p.Leu566=; no amino-acid change (leucine 566 retained).
Molecular consequence: synonymous variant.
Genome position (GRCh38, 1-based): chr17:74,351,977, G>C. VCF-style: chr17-74351977-G-C. GRCh37 (hg19) VCF-style: chr17-72348116-G-C.
Identifiers: ClinVar variation 4872780 (VCV004872780.2).

ClinVar aggregate classification (germline): Likely benign (1 of 4 stars; one submission).

Submission:

CeGaT Center for Human Genetics Tuebingen
Classification: Likely benign. Last evaluated: 2026-05-01. Review status: criteria provided, single submitter. Criteria: CeGaT Center For Human Genetics Tuebingen Variant Classification Criteria Version 2. Collection method: clinical testing. Allele origin: germline. Affected: yes. Observed: 1 variant allele.
Comment: KIF19: PM2:Supporting, BP4, BP7